The following is an entry in ClinVar:

NM_172250.3(MMAA):c.1162C>T (p.Gln388Ter)

Gene: MMAA (metabolism of cobalamin associated A; plus strand). Cytogenetic location: 4q31.21.
Variant type: single nucleotide variant.
Coding change: c.1162C>T on transcript NM_172250.3 (MANE Select); coding-DNA position 1162, C replaced by T.
Protein change: p.Gln388Ter; replaces glutamine 388 with a stop codon.
Molecular consequence: nonsense.
Genome position (GRCh38, 1-based): chr4:145,655,339, C>T. VCF-style: chr4-145655339-C-T. GRCh37 (hg19) VCF-style: chr4-146576491-C-T.
Other names: c.1162C>T, p.Gln388Ter (NM_001375644.1); short protein forms Q388*.
Identifiers: ClinVar variation 1975217 (VCV001975217.2), dbSNP rs1308323145, ClinGen allele CA358346674.

ClinVar aggregate classification (germline): Uncertain significance (1 of 4 stars; one submission).

Conditions:
Methylmalonic aciduria, cblA type (MACA). Also called: Methylmalonic aciduria, vitamin B12-responsive; Vitamin B12-responsive methylmalonic acidemia type cblA; Methylmalonic aciduria, vitamin b12-responsive, due to defect in synthesis of adenosylcobalamin, cbla complementation type; MMA cbl A type; Methylmalonic acidemia cblA type. Identifiers: Orphanet 28, Orphanet 79310, MedGen C1855109, MONDO:0009613, OMIM 251100.

Submission:

Labcorp Genetics (formerly Invitae), Labcorp
Classification: Uncertain significance for Methylmalonic aciduria, cblA type. Last evaluated: 2022-09-13. Review status: criteria provided, single submitter. Criteria: Invitae Variant Classification Sherloc (09022015). Collection method: clinical testing. Allele origin: germline.
Comment: This sequence change creates a premature translational stop signal (p.Gln388*) in the MMAA gene. While this is not anticipated to result in nonsense mediated decay, it is expected to disrupt the last 31 amino acid(s) of the MMAA protein. This variant is not present in population databases (gnomAD no frequency). This variant has not been reported in the literature in individuals affected with MMAA-related conditions. Experimental studies and prediction algorithms are not available or were not evaluated, and the functional significance of this variant is currently unknown. This variant disrupts a region of the MMAA protein in which other variant(s) (p.Gly399Val) have been observed in individuals with MMAA-related conditions (PMID: 28497574). This suggests that this is a clinically significant region of the protein, and that variants that disrupt it are likely to be disease-causing. In summary, the available evidence is currently insufficient to determine the role of this variant in disease. Therefore, it has been classified as a Variant of Uncertain Significance.

Literature cited by the submitters: PubMed 28497574.